The following is an entry in ClinVar:

NM_015215.4(CAMTA1):c.2343C>G (p.Ile781Met)

Gene: CAMTA1 (calmodulin binding transcription activator 1; plus strand). Cytogenetic location: 1p36.23.
Variant type: single nucleotide variant.
Coding change: c.2343C>G on transcript NM_015215.4 (MANE Select); coding-DNA position 2343, C replaced by G.
Protein change: p.Ile781Met; replaces isoleucine 781 with methionine.
Molecular consequence: missense variant.
Genome position (GRCh38, 1-based): chr1:7,664,890, C>G. VCF-style: chr1-7664890-C-G. GRCh37 (hg19) VCF-style: chr1-7724950-C-G.
Other names: c.2253C>G, p.Ile751Met (NM_001349608.2, NM_001349612.2); c.2343C>G, p.Ile781Met (NM_001349609.2, NM_001349610.2); short protein forms I751M, I781M.
Identifiers: ClinVar variation 1305614 (VCV001305614.2), dbSNP rs2149165155, ClinGen allele CA338134014.
Genomic context (GRCh38, chr1:7,664,890, plus strand): 5'-CCTGGACCACTTTGACATCTCCTTCAGCAACCAGTTCTCCGACCTGATCAACGACTTCAT[C>G]TCCGTGGAGGGGGGCAGCAGCACCATCTATGGGCACCAGCTGGTGTCGGGGGACAGCACG-3'
Protein context (NP_056030.1, residues 771-791): NQFSDLINDF[Ile781Met]SVEGGSSTIY

ClinVar aggregate classification (germline): Uncertain significance (1 of 4 stars; one submission).

Submission:

GeneDx
Classification: Uncertain significance. Last evaluated: 2019-05-14. Review status: criteria provided, single submitter. Criteria: GeneDx Variant Classification Process June 2021. Collection method: clinical testing. Allele origin: germline. Affected: yes.
Comment: Not observed in large population cohorts (Lek et al., 2016); In silico analysis, which includes protein predictors and evolutionary conservation, supports that this variant does not alter protein structure/function; Has not been previously published as pathogenic or benign to our knowledge